The following is an entry in ClinVar:

ClinVar aggregate classification (germline): Uncertain significance (1 of 4 stars; one submission).

Submission:

Ambry Genetics
Classification: Uncertain significance. Last evaluated: 2024-08-27. Review status: criteria provided, single submitter. Criteria: Ambry Variant Classification Scheme 2023. Collection method: clinical testing. Allele origin: germline.
Comment: The p.E553G variant (also known as c.1658A>G), located in coding exon 9 of the PALLD gene, results from an A to G substitution at nucleotide position 1658. The glutamic acid at codon 553 is replaced by glycine, an amino acid with similar properties. This amino acid position is conserved. In addition, this alteration is predicted to be tolerated by in silico analysis. Based on the available evidence, the clinical significance of this variant remains unclear.

NM_001166108.2(PALLD):c.1658A>G (p.Glu553Gly)

Gene: PALLD (palladin, cytoskeletal associated protein; plus strand). Cytogenetic location: 4q32.3.
Variant type: single nucleotide variant.
Coding change: c.1658A>G on transcript NM_001166108.2 (MANE Select); coding-DNA position 1658, A replaced by G.
Protein change: p.Glu553Gly; replaces glutamic acid 553 with glycine.
Molecular consequence: missense variant.
Genome position (GRCh38, 1-based): chr4:168,711,617, A>G. VCF-style: chr4-168711617-A-G. GRCh37 (hg19) VCF-style: chr4-169632768-A-G.
Other names: c.512A>G, p.Glu171Gly (NM_001166109.2); c.1658A>G, p.Glu553Gly (NM_016081.4); short protein forms E553G, E171G.
Identifiers: ClinVar variation 3413606 (VCV003413606.1).